The following is an entry in ClinVar:

ClinVar aggregate classification (germline): Uncertain significance (1 of 4 stars; one submission).

gnomAD v4.1: 3 of 1,613,820 alleles (0.00019%); highest among the groups gnomAD compares: Non-Finnish European, 0.00017%; no homozygotes.

Submission:

Ambry Genetics
Classification: Uncertain significance. Last evaluated: 2024-04-26. Review status: criteria provided, single submitter. Criteria: Ambry Variant Classification Scheme 2023. Collection method: clinical testing. Allele origin: germline.
Comment: The p.A553P variant (also known as c.1657G>C), located in coding exon 15 of the RAD54L gene, results from a G to C substitution at nucleotide position 1657. The alanine at codon 553 is replaced by proline, an amino acid with highly similar properties. This amino acid position is conserved. In addition, this alteration is predicted to be deleterious by in silico analysis. Based on the available evidence, the clinical significance of this variant remains unclear.

NM_003579.4(RAD54L):c.1657G>C (p.Ala553Pro)

Gene: RAD54L (RAD54 like; plus strand). Cytogenetic location: 1p34.1.
Variant type: single nucleotide variant.
Coding change: c.1657G>C on transcript NM_003579.4 (MANE Select); coding-DNA position 1657, G replaced by C.
Protein change: p.Ala553Pro; replaces alanine 553 with proline.
Molecular consequence: missense variant.
Genome position (GRCh38, 1-based): chr1:46,274,184, G>C. VCF-style: chr1-46274184-G-C. GRCh37 (hg19) VCF-style: chr1-46739856-G-C.
Other names: c.1657G>C, p.Ala553Pro (NM_001142548.2); c.1117G>C, p.Ala373Pro (NM_001370766.1); short protein forms A553P, A373P.
Identifiers: ClinVar variation 3312421 (VCV003312421.1).